The following is an entry in ClinVar:

ClinVar aggregate classification (germline): Uncertain significance. Review status: criteria provided, multiple submitters, no conflicts (2 of 4 stars). 2 submissions from 2 submitters: Uncertain significance (2). Last evaluated 2026-01-06.

Allele frequency attached by ClinVar (database versions not stated): TOPMed 0.00032; ESP Exome Variant Server 0.00038.
gnomAD v4.1: 557 of 1,614,014 alleles (0.035%); highest among the groups gnomAD compares: Admixed American, 0.075%; no homozygotes.

Submissions (2):

Labcorp Genetics (formerly Invitae), Labcorp
Classification: Uncertain significance. Last evaluated: 2026-01-06. Review status: criteria provided, single submitter. Criteria: Invitae Variant Classification Sherloc (09022015). Collection method: clinical testing. Allele origin: germline.
Comment: This sequence change replaces alanine, which is neutral and non-polar, with threonine, which is neutral and polar, at codon 231 of the SLC7A14 protein (p.Ala231Thr). This variant is present in population databases (rs146144886, gnomAD 0.04%). This missense change has been observed in individual(s) with clinical features of SLC7A14-related conditions (PMID: 32483926). ClinVar contains an entry for this variant (Variation ID: 858855). An algorithm developed to predict the effect of missense changes on protein structure and function (PolyPhen-2) suggests that this variant is likely to be disruptive. In summary, the available evidence is currently insufficient to determine the role of this variant in disease. Therefore, it has been classified as a Variant of Uncertain Significance.

Blueprint Genetics
Classification: Uncertain significance. Last evaluated: 2024-11-25. Review status: criteria provided, single submitter. Criteria: ACMG Guidelines, 2015. Collection method: clinical testing. Allele origin: germline.

Literature cited by the submitters: PubMed 32483926 (cited by Labcorp Genetics (formerly Invitae), Labcorp).

NM_020949.3(SLC7A14):c.691G>A (p.Ala231Thr)

Genes: SLC7A14 (solute carrier family 7 member 14; minus strand), SLC7A14-AS1 (SLC7A14 antisense RNA 1; plus strand). Cytogenetic location: 3q26.2.
Variant type: single nucleotide variant.
Coding change: c.691G>A on transcript NM_020949.3 (MANE Select); coding-DNA position 691, G replaced by A.
Protein change: p.Ala231Thr; replaces alanine 231 with threonine.
Molecular consequence: missense variant.
Genome position (GRCh38, 1-based): chr3:170,498,735, C>T on the plus strand (G>A on the coding strand, the complement: SLC7A14 is on the minus strand). VCF-style: chr3-170498735-C-T. GRCh37 (hg19) VCF-style: chr3-170216524-C-T.
Other names: short protein forms A231T.
Identifiers: ClinVar variation 858855 (VCV000858855.8), dbSNP rs146144886, ClinGen allele CA2701854.